The following is an entry in ClinVar:

ClinVar aggregate classification (germline): Uncertain significance (1 of 4 stars; one submission).

Submission:

Labcorp Genetics (formerly Invitae), Labcorp
Classification: Uncertain significance. Last evaluated: 2024-04-29. Review status: criteria provided, single submitter. Criteria: Invitae Variant Classification Sherloc (09022015). Collection method: clinical testing. Allele origin: germline.
Comment: This sequence change replaces arginine, which is basic and polar, with proline, which is neutral and non-polar, at codon 626 of the SAMD11 protein (p.Arg626Pro). This variant is not present in population databases (gnomAD no frequency). This variant has not been reported in the literature in individuals affected with SAMD11-related conditions. ClinVar contains an entry for this variant (Variation ID: 2124644). An algorithm developed to predict the effect of missense changes on protein structure and function (PolyPhen-2) suggests that this variant is likely to be disruptive. In summary, the available evidence is currently insufficient to determine the role of this variant in disease. Therefore, it has been classified as a Variant of Uncertain Significance.

NM_001385641.1(SAMD11):c.2366G>C (p.Arg789Pro)

Gene: SAMD11 (sterile alpha motif domain containing 11; plus strand). Cytogenetic location: 1p36.33.
Variant type: single nucleotide variant.
Coding change: c.2366G>C on transcript NM_001385641.1 (MANE Select); coding-DNA position 2366, G replaced by C.
Protein change: p.Arg789Pro; replaces arginine 789 with proline.
Molecular consequence: missense variant.
Genome position (GRCh38, 1-based): chr1:943,984, G>C. VCF-style: chr1-943984-G-C. GRCh37 (hg19) VCF-style: chr1-879364-G-C.
Other names: c.2369G>C, p.Arg790Pro (NM_001385640.1); c.1877G>C, p.Arg626Pro (NM_152486.4); short protein forms R789P, R626P, R790P.
Identifiers: ClinVar variation 2124644 (VCV002124644.4), dbSNP rs201551514, ClinGen allele CA337818150.
Genomic context (GRCh38, chr1:943,984, plus strand): 5'-GCCGAGTTTTCTACGTGGCCAGCTTCCCCGTGGCTCTGCCACTGCAGCCACCAACCCTGC[G>C]GGCCCCGGAGCGAGAACTCGGCACAGGAGAGCAGCCCTTGTCCCCCACGACGGCCACGTC-3'
Protein context (NP_001372570.1, residues 779-799): VALPLQPPTL[Arg789Pro]APERELGTGE